The following is an entry in ClinVar:

ClinVar aggregate classification (germline): Likely benign (1 of 4 stars; one submission).

Allele frequency attached by ClinVar (database versions not stated): gnomAD 0.00051; ExAC 0.00073; ESP Exome Variant Server 0.00077; 1000 Genomes Project 0.00120; 1000 Genomes Project 30x 0.00141.
gnomAD v4.1: 1,065 of 1,612,794 alleles (0.066%); highest among the groups gnomAD compares: Middle Eastern, 0.23%; 1 homozygote.

Submission:

CeGaT Center for Human Genetics Tuebingen
Classification: Likely benign. Last evaluated: 2023-06-01. Review status: criteria provided, single submitter. Criteria: CeGaT Center For Human Genetics Tuebingen Variant Classification Criteria Version 2. Collection method: clinical testing. Allele origin: germline. Affected: yes. Observed: 2 variant alleles.
Comment: PRKCZ: BP4, BP7

NM_002744.6(PRKCZ):c.1365C>T (p.Thr455=)

Gene: PRKCZ (protein kinase C zeta; plus strand). Cytogenetic location: 1p36.33.
Variant type: single nucleotide variant.
Coding change: c.1365C>T on transcript NM_002744.6 (MANE Select); coding-DNA position 1365, C replaced by T.
Protein change: p.Thr455=; no amino-acid change (threonine 455 retained).
Molecular consequence: synonymous variant. On other transcripts: non-coding transcript variant (1).
Genome position (GRCh38, 1-based): chr1:2,173,976, C>T. VCF-style: chr1-2173976-C-T. GRCh37 (hg19) VCF-style: chr1-2105415-C-T.
Other names: c.816C>T, p.Thr272= (NM_001033581.3, NM_001033582.3); c.1053C>T, p.Thr351= (NM_001242874.3); c.840C>T, p.Thr280= (NM_001350803.2, NM_001350804.2); c.654C>T, p.Thr218= (NM_001350805.2, NM_001350806.2).
Identifiers: ClinVar variation 2638074 (VCV002638074.24), dbSNP rs113812918, ClinGen allele CA535660.